The following is an entry in ClinVar:

NM_020745.4(AARS2):c.2146-24G>A

Gene: AARS2 (alanyl-tRNA synthetase 2, mitochondrial; minus strand). Cytogenetic location: 6p21.1.
Variant type: single nucleotide variant.
Coding change: c.2146-24G>A on transcript NM_020745.4 (MANE Select); 24 bases into the intron before coding-DNA position 2146, G replaced by A.
Molecular consequence: intron variant.
Genome position (GRCh38, 1-based): chr6:44,303,199, C>T on the plus strand (G>A on the coding strand, the complement: AARS2 is on the minus strand). VCF-style: chr6-44303199-C-T. GRCh37 (hg19) VCF-style: chr6-44270936-C-T.
Other names: c.2146-24G>A (NM_020745.3).
Identifiers: ClinVar variation 1259878 (VCV001259878.5), dbSNP rs325001, ClinGen allele CA3834085.

ClinVar aggregate classification (germline): Benign. Review status: criteria provided, multiple submitters, no conflicts (2 of 4 stars). 2 submissions from 2 submitters: Benign (2). Last evaluated 2026-09-21.

Allele frequency attached by ClinVar (database versions not stated): ESP Exome Variant Server 0.46579; gnomAD 0.47169 and 0.47358; 1000 Genomes Project 0.43051; TOPMed 0.47039; ExAC 0.52480; 1000 Genomes Project 30x 0.43051; gnomAD exomes 0.53409.
gnomAD v4.1: 870,589 of 1,613,506 alleles (54%); highest among the groups gnomAD compares: Admixed American, 62%; 239,559 homozygotes.

Submissions (2):

Molecular Diagnostic Laboratory for Inherited Cardiovascular Disease, Montreal Heart Institute
Classification: Benign. Last evaluated: 2026-09-21. Review status: criteria provided, single submitter. Criteria: ACMG Guidelines, 2015. Collection method: clinical testing. Allele origin: germline. Affected: no.
Comment: BA1

GeneDx
Classification: Benign. Last evaluated: 2018-06-23. Review status: criteria provided, single submitter. Criteria: GeneDx Variant Classification Process June 2021. Collection method: clinical testing. Allele origin: germline. Affected: yes.